The following is an entry in ClinVar:

ClinVar aggregate classification (germline): Uncertain significance. Review status: criteria provided, multiple submitters, no conflicts (2 of 4 stars). 6 submissions from 6 submitters: Uncertain significance (5). 1 of the submissions does not count toward it. Last evaluated 2025-09-02.

Conditions:
Inborn genetic diseases. Identifiers: MedGen C0950123, MeSH D030342.
Mucopolysaccharidosis, MPS-III-A (MPS3A). Also called: mucopolysaccharidosis type 3A; MPS IIIA (Sanfilippo Syndrome Type A); HEPARAN SULFATE SULFATASE DEFICIENCY; MUCOPOLYSACCHARIDOSIS, TYPE IIIA, ATTENUATED; Mucopolysaccharidosis type IIIA (Sanfilippo A); Mucopolysaccharidosis, type IIIA. Identifiers: Orphanet 581, Orphanet 79269, MedGen C0086647, MONDO:0009655, OMIM 252900.
SGSH-related disorder. Also called: SGSH-related condition.

Allele frequency attached by ClinVar (database versions not stated): gnomAD 0.00002 and 0.00001; TOPMed 0.00002; gnomAD exomes 0.00004 and 0.00002; ExAC 0.00005.
gnomAD v4.1: 35 of 1,612,800 alleles (0.0022%); highest among the groups gnomAD compares: Admixed American, 0.023%; no homozygotes.

Submissions (6):

PreventionGenetics, part of Exact Sciences
Classification: Uncertain significance for SGSH-related condition. Last evaluated: 2025-09-02. Review status: criteria provided, single submitter. Criteria: ACMG Guidelines, 2015. Collection method: clinical testing. Allele origin: germline.
Comment: The SGSH c.523G>A variant is predicted to result in the amino acid substitution p.Val175Ile. To our knowledge, this variant has not been reported in the literature. This variant is reported in 0.020% of alleles in individuals of Latino descent in gnomAD. At this time, the clinical significance of this variant is uncertain due to the absence of conclusive functional and genetic evidence.

GeneDx
Classification: Uncertain significance. Last evaluated: 2023-06-16. Review status: criteria provided, single submitter. Criteria: GeneDx Variant Classification Process June 2021. Collection method: clinical testing. Allele origin: germline. Affected: yes.
Comment: In silico analysis supports that this missense variant does not alter protein structure/function; Has not been previously published as pathogenic or benign to our knowledge

Labcorp Genetics (formerly Invitae), Labcorp
Classification: Uncertain significance for Mucopolysaccharidosis, MPS-III-A. Last evaluated: 2022-11-01. Review status: criteria provided, single submitter. Criteria: Invitae Variant Classification Sherloc (09022015). Collection method: clinical testing. Allele origin: germline.
Comment: This sequence change replaces valine, which is neutral and non-polar, with isoleucine, which is neutral and non-polar, at codon 175 of the SGSH protein (p.Val175Ile). This variant is present in population databases (rs753921560, gnomAD 0.02%). This variant has not been reported in the literature in individuals affected with SGSH-related conditions. ClinVar contains an entry for this variant (Variation ID: 1027170). Advanced modeling of protein sequence and biophysical properties (such as structural, functional, and spatial information, amino acid conservation, physicochemical variation, residue mobility, and thermodynamic stability) has been performed at Invitae for this missense variant, however the output from this modeling did not meet the statistical confidence thresholds required to predict the impact of this variant on SGSH protein function. In summary, the available evidence is currently insufficient to determine the role of this variant in disease. Therefore, it has been classified as a Variant of Uncertain Significance.

Ambry Genetics
Classification: Uncertain significance for Inborn genetic diseases. Last evaluated: 2022-01-26. Review status: criteria provided, single submitter. Criteria: Ambry Variant Classification Scheme 2023. Collection method: clinical testing. Allele origin: germline.

Genome-Nilou Lab
Classification: Uncertain significance for Mucopolysaccharidosis, MPS-III-A. Last evaluated: 2021-11-07. Review status: criteria provided, single submitter. Criteria: ACMG Guidelines, 2015. Collection method: clinical testing. Allele origin: germline. Affected: no.

Natera, Inc.
Classification: Uncertain significance for Mucopolysaccharidosis type IIIA. Last evaluated: 2020-08-27. Review status: no assertion criteria provided. Collection method: clinical testing. Allele origin: germline. Not counted in ClinVar's aggregate classification.

NM_000199.5(SGSH):c.523G>A (p.Val175Ile)

Gene: SGSH (N-sulfoglucosamine sulfohydrolase; minus strand). Cytogenetic location: 17q25.3.
Variant type: single nucleotide variant.
Coding change: c.523G>A on transcript NM_000199.5 (MANE Select); coding-DNA position 523, G replaced by A.
Protein change: p.Val175Ile; replaces valine 175 with isoleucine.
Molecular consequence: missense variant. On other transcripts: non-coding transcript variant (1).
Genome position (GRCh38, 1-based): chr17:80,214,312, C>T on the plus strand (G>A on the coding strand, the complement: SGSH is on the minus strand). VCF-style: chr17-80214312-C-T. GRCh37 (hg19) VCF-style: chr17-78188111-C-T.
Other names: c.523G>A, p.Val175Ile (NM_001352921.3, NM_001352922.2); c.523G>A (NM_000199.3); short protein forms V175I.
Identifiers: ClinVar variation 1027170 (VCV001027170.12), dbSNP rs753921560, ClinGen allele CA8817959.